The following is an entry in ClinVar:

NM_181712.5(KANK4):c.2369G>A (p.Arg790Gln)

Gene: KANK4 (KN motif and ankyrin repeat domains 4; minus strand). Cytogenetic location: 1p31.3.
Variant type: single nucleotide variant.
Coding change: c.2369G>A on transcript NM_181712.5 (MANE Select); coding-DNA position 2369, G replaced by A.
Protein change: p.Arg790Gln; replaces arginine 790 with glutamine.
Molecular consequence: missense variant.
Genome position (GRCh38, 1-based): chr1:62,263,262, C>T on the plus strand (G>A on the coding strand, the complement: KANK4 is on the minus strand). VCF-style: chr1-62263262-C-T. GRCh37 (hg19) VCF-style: chr1-62728934-C-T.
Other names: c.485G>A, p.Arg162Gln (NM_001320269.2); short protein forms R790Q, R162Q.
Identifiers: ClinVar variation 2221007 (VCV002221007.5), dbSNP rs772427825, ClinGen allele CA884116.

ClinVar aggregate classification (germline): Uncertain significance. Review status: criteria provided, multiple submitters, no conflicts (2 of 4 stars). 2 submissions from 2 submitters: Uncertain significance (2). Last evaluated 2023-04-27.

Allele frequency attached by ClinVar (database versions not stated): TOPMed below 0.00001; gnomAD exomes 0.00001.
gnomAD v4.1: 16 of 1,613,400 alleles (0.00099%); highest among the groups gnomAD compares: Admixed American, 0.005%; no homozygotes.

Submissions (2):

Labcorp Genetics (formerly Invitae), Labcorp
Classification: Uncertain significance. Last evaluated: 2023-04-27. Review status: criteria provided, single submitter. Criteria: Invitae Variant Classification Sherloc (09022015). Collection method: clinical testing. Allele origin: germline.
Comment: In summary, the available evidence is currently insufficient to determine the role of this variant in disease. Therefore, it has been classified as a Variant of Uncertain Significance. An algorithm developed to predict the effect of missense changes on protein structure and function (PolyPhen-2) suggests that this variant is likely to be tolerated. ClinVar contains an entry for this variant (Variation ID: 2221007). This variant has not been reported in the literature in individuals affected with KANK4-related conditions. The frequency data for this variant in the population databases is considered unreliable, as metrics indicate poor data quality at this position in the gnomAD database. This sequence change replaces arginine, which is basic and polar, with glutamine, which is neutral and polar, at codon 790 of the KANK4 protein (p.Arg790Gln).

Ambry Genetics
Classification: Uncertain significance. Last evaluated: 2022-07-08. Review status: criteria provided, single submitter. Criteria: Ambry Variant Classification Scheme 2023. Collection method: clinical testing. Allele origin: germline.